The following is an entry in ClinVar:

NM_016180.5(SLC45A2):c.614_617dup (p.Glu206fs)

Gene: SLC45A2 (solute carrier family 45 member 2; minus strand). Cytogenetic location: 5p13.2.
Variant type: Duplication.
Coding change: c.614_617dup on transcript NM_016180.5 (MANE Select); coding-DNA positions 614 to 617, 4 bases duplicated (TGGA; older notation c.614_617dupTGGA).
Protein change: p.Glu206fs; shifts the reading frame from glutamic acid 206.
Molecular consequence: frameshift variant. On other transcripts: intron variant (1).
Genome position (GRCh38, 1-based): chr5:33,963,962-33,963,965, TCCA duplicated on the plus strand (TGGA on the coding strand, the reverse complement: SLC45A2 is on the minus strand). VCF-style (leftmost placement, unchanged base first): chr5-33963961-C-CTCCA. GRCh37 (hg19) VCF-style: chr5-33964066-C-CTCCA.
Other names: c.614_617dup, p.Glu206fs (NM_001012509.4); c.563-9461_563-9458dup (NM_001297417.4); short protein forms E206fs.
Identifiers: ClinVar variation 1458973 (VCV001458973.7), dbSNP rs868280865, ClinGen allele CA116890616.

ClinVar aggregate classification (germline): Pathogenic/Likely pathogenic. Review status: criteria provided, multiple submitters, no conflicts (2 of 4 stars). 2 submissions from 2 submitters: Pathogenic (1); Likely pathogenic (1). Last evaluated 2024-08-04.

Conditions:
SLC45A2-related disorder. Also called: SLC45A2-related condition.

Allele frequency attached by ClinVar (database versions not stated): gnomAD exomes below 0.00001; TOPMed 0.00002; gnomAD 0.00001; ESP Exome Variant Server 0.00008.

Submissions (2):

Labcorp Genetics (formerly Invitae), Labcorp
Classification: Pathogenic. Last evaluated: 2024-08-04. Review status: criteria provided, single submitter. Criteria: Invitae Variant Classification Sherloc (09022015). Collection method: clinical testing. Allele origin: germline.
Comment: This sequence change creates a premature translational stop signal (p.Glu206Aspfs*35) in the SLC45A2 gene. It is expected to result in an absent or disrupted protein product. Loss-of-function variants in SLC45A2 are known to be pathogenic (PMID: 21458243, 26573111). This variant is present in population databases (no rsID available, gnomAD 0.008%). This premature translational stop signal has been observed in individual(s) with oculocutaneous albinism (PMID: 27734839). ClinVar contains an entry for this variant (Variation ID: 1458973). For these reasons, this variant has been classified as Pathogenic.

Blueprint Genetics
Classification: Likely pathogenic for SLC45A2-related disorders. Last evaluated: 2023-09-05. Review status: criteria provided, single submitter. Criteria: ACMG Guidelines, 2015. Collection method: clinical testing. Allele origin: germline. Affected: yes. Observed: 1 variant allele.

Literature cited by the submitters: PubMed 21458243 (cited by Labcorp Genetics (formerly Invitae), Labcorp); PubMed 26573111 (cited by Labcorp Genetics (formerly Invitae), Labcorp); PubMed 27734839 (cited by Labcorp Genetics (formerly Invitae), Labcorp).